The following is an entry in ClinVar:

NM_000138.5(FBN1):c.2802G>C (p.Lys934Asn)

Gene: FBN1 (fibrillin 1; minus strand). Cytogenetic location: 15q21.1.
Variant type: single nucleotide variant.
Coding change: c.2802G>C on transcript NM_000138.5 (MANE Select); coding-DNA position 2802, G replaced by C.
Protein change: p.Lys934Asn; replaces lysine 934 with asparagine.
Molecular consequence: missense variant.
Genome position (GRCh38, 1-based): chr15:48,492,513, C>G on the plus strand (G>C on the coding strand, the complement: FBN1 is on the minus strand). VCF-style: chr15-48492513-C-G. GRCh37 (hg19) VCF-style: chr15-48784710-C-G.
Other names: c.2802G>C, p.Lys934Asn (NM_001406716.1); short protein forms K934N.
Identifiers: ClinVar variation 3045685 (VCV003045685.4), dbSNP rs1193280454, ClinGen allele CA392330613.

ClinVar aggregate classification (germline): Uncertain significance. Review status: criteria provided, multiple submitters, no conflicts (2 of 4 stars). 3 submissions from 3 submitters: Uncertain significance (2). 1 of the submissions does not count toward it. Last evaluated 2026-08-23.

Conditions:
Familial thoracic aortic aneurysm and aortic dissection (TAAD). Also called: Thoracic aortic aneurysms and dissections. Identifiers: Orphanet 91387, MedGen C4707243, MONDO:0019625.
Marfan syndrome (MFS). Also called: MARFAN SYNDROME, TYPE I; Marfan syndrome, classic; FBN1-Related Marfan Syndrome; Marfan syndrome type 1; Marfan's syndrome. Identifiers: Orphanet 284963, Orphanet 558, MedGen C0024796, MONDO:0007947, OMIM 154700.
FBN1-related disorder. Also called: FBN1-related disorders.

Submissions (3):

Ambry Genetics
Classification: Uncertain significance for Familial thoracic aortic aneurysm and aortic dissection. Last evaluated: 2026-08-23. Review status: criteria provided, single submitter. Criteria: Ambry Variant Classification Scheme 2023. Collection method: clinical testing. Allele origin: germline.

Labcorp Genetics (formerly Invitae), Labcorp
Classification: Uncertain significance for Marfan syndrome; Familial thoracic aortic aneurysm and aortic dissection. Last evaluated: 2025-12-17. Review status: criteria provided, single submitter. Criteria: Invitae Variant Classification Sherloc (09022015). Collection method: clinical testing. Allele origin: germline.
Comment: This sequence change replaces lysine, which is basic and polar, with asparagine, which is neutral and polar, at codon 934 of the FBN1 protein (p.Lys934Asn). This variant is not present in population databases (gnomAD no frequency). This variant has not been reported in the literature in individuals affected with FBN1-related conditions. ClinVar contains an entry for this variant (Variation ID: 3045685). Invitae Evidence Modeling of protein sequence and biophysical properties (such as structural, functional, and spatial information, amino acid conservation, physicochemical variation, residue mobility, and thermodynamic stability) indicates that this missense variant is not expected to disrupt FBN1 protein function with a negative predictive value of 95%. In summary, the available evidence is currently insufficient to determine the role of this variant in disease. Therefore, it has been classified as a Variant of Uncertain Significance.

PreventionGenetics, part of Exact Sciences
Classification: Uncertain significance for FBN1-related condition. Last evaluated: 2024-01-10. Review status: no assertion criteria provided. Collection method: clinical testing. Allele origin: germline. Not counted in ClinVar's aggregate classification.
Comment: The FBN1 c.2802G>C variant is predicted to result in the amino acid substitution p.Lys934Asn. To our knowledge, this variant has not been reported in the literature or in a large population database, indicating this variant is rare. At this time, the clinical significance of this variant is uncertain due to the absence of conclusive functional and genetic evidence.